The following is an entry in ClinVar:

NM_001372.4(DNAH9):c.3252G>A (p.Trp1084Ter)

Genes: DNAH9 (dynein axonemal heavy chain 9; plus strand), LOC126862505 (BRD4-independent group 4 enhancer GRCh37_chr17:11572478-11573677; plus strand). Cytogenetic location: 17p12.
Variant type: single nucleotide variant.
Coding change: c.3252G>A on transcript NM_001372.4 (MANE Select); coding-DNA position 3252, G replaced by A.
Protein change: p.Trp1084Ter; replaces tryptophan 1084 with a stop codon.
Molecular consequence: nonsense.
Genome position (GRCh38, 1-based): chr17:11,669,693, G>A. VCF-style: chr17-11669693-G-A. GRCh37 (hg19) VCF-style: chr17-11573010-G-A.
Other names: short protein forms W1084*.
Identifiers: ClinVar variation 4697168 (VCV004697168.1), dbSNP rs201532586.
Genomic context (GRCh38, chr17:11,669,693, plus strand): 5'-CTATGAAACGCTCTATGAAGAGGTGTGCAGGCTGGAACCCATCAAGGTGTTTGACGGCTG[G>A]ATGAAAATTGATATTCGACCCTTTAAGGCATCTCTGCTGAATATTATTAAGAGGTGGAGC-3'

ClinVar aggregate classification (germline): Pathogenic (1 of 4 stars; one submission).

gnomAD v4.1: 10 of 1,614,018 alleles (0.00062%); highest among the groups gnomAD compares: Non-Finnish European, 0.00034%; no homozygotes.

Submission:

Labcorp Genetics (formerly Invitae), Labcorp
Classification: Pathogenic. Last evaluated: 2025-06-17. Review status: criteria provided, single submitter. Criteria: Invitae Variant Classification Sherloc (09022015). Collection method: clinical testing. Allele origin: germline.
Comment: This sequence change creates a premature translational stop signal (p.Trp1084*) in the DNAH9 gene. It is expected to result in an absent or disrupted protein product. Loss-of-function variants in DNAH9 are known to be pathogenic (PMID: 30471718). This variant is present in population databases (rs201532586, gnomAD 0.02%). This variant has not been reported in the literature in individuals affected with DNAH9-related conditions. For these reasons, this variant has been classified as Pathogenic.

Literature cited by the submitters: PubMed 30471718.